The following is an entry in ClinVar:

ClinVar aggregate classification (germline): Likely pathogenic (1 of 4 stars; one submission).

Conditions:
Combined oxidative phosphorylation defect type 17. Also called: Combined oxidative phosphorylation deficiency 17. Identifiers: Orphanet 369913, MedGen C3809526, MONDO:0014190, OMIM 615440.

Allele frequency attached by ClinVar (database versions not stated): TOPMed 0.00001; ExAC 0.00001; gnomAD 0.00001; gnomAD exomes 0.00001.
gnomAD v4.1: 4 of 1,613,878 alleles (0.00025%); highest among the groups gnomAD compares: Admixed American, 0.0067%; no homozygotes.

Submission:

Labcorp Genetics (formerly Invitae), Labcorp
Classification: Likely pathogenic for Combined oxidative phosphorylation defect type 17. Last evaluated: 2025-12-03. Review status: criteria provided, single submitter. Criteria: Invitae Variant Classification Sherloc (09022015). Collection method: clinical testing. Allele origin: germline.
Comment: This sequence change affects an acceptor splice site in intron 19 of the ELAC2 gene. It is expected to disrupt RNA splicing. Variants that disrupt the donor or acceptor splice site typically lead to a loss of protein function (PMID: 16199547), and loss-of-function variants in ELAC2 are known to be pathogenic (PMID: 27769300, 31045291). This variant is present in population databases (rs749375920, gnomAD 0.009%). This variant has not been reported in the literature in individuals affected with ELAC2-related conditions. ClinVar contains an entry for this variant (Variation ID: 2865870). Algorithms developed to predict the effect of sequence changes on RNA splicing suggest that this variant may disrupt the consensus splice site. In summary, the currently available evidence indicates that the variant is pathogenic, but additional data are needed to prove that conclusively. Therefore, this variant has been classified as Likely Pathogenic.

Literature cited by the submitters: PubMed 16199547; PubMed 27769300; PubMed 31045291.

NM_018127.7(ELAC2):c.1809-1G>A

Gene: ELAC2 (elaC ribonuclease Z 2; minus strand). Cytogenetic location: 17p12.
Variant type: single nucleotide variant.
Coding change: c.1809-1G>A on transcript NM_018127.7 (MANE Select); the canonical splice acceptor site of the intron before coding-DNA position 1809, G replaced by A.
Molecular consequence: splice acceptor variant.
Genome position (GRCh38, 1-based): chr17:12,995,063, C>T on the plus strand (G>A on the coding strand, the complement: ELAC2 is on the minus strand). VCF-style: chr17-12995063-C-T. GRCh37 (hg19) VCF-style: chr17-12898380-C-T.
Other names: c.1689-1G>A (NM_001165962.2); c.1806-1G>A (NM_173717.2).
Identifiers: ClinVar variation 2865870 (VCV002865870.3), dbSNP rs749375920, ClinGen allele CA8401049.
Genomic context (GRCh38, chr17:12,995,063, plus strand): 5'-CTTTCCACTGCAGGACTGGAGATCTCAGCCCCTTCCTGAAGGCATTTGGCAGGAATCATA[C>T]TGTAAAAAGACAAAACATTTAAAATGATAATAAACGTTTCTTGGACATCTGGAACCAAAG-3'